The following is an entry in ClinVar:

ClinVar aggregate classification (germline): Benign/Likely benign. Review status: criteria provided, multiple submitters, no conflicts (2 of 4 stars). 6 submissions from 3 submitters: Benign (5); Likely benign (1). Last evaluated 2022-03-15.

Conditions:
Café-au-lait macules with pulmonary stenosis (WTSN). Also called: PULMONIC STENOSIS WITH CAFE-AU-LAIT SPOTS. Identifiers: MedGen C0553586, MONDO:0008672, OMIM 193520.
Neurofibromatosis, familial spinal (FSNF). Identifiers: Orphanet 636, MedGen C1834235, MONDO:0008078, OMIM 162210. Disease mechanism: loss of function.
Neurofibromatosis-Noonan syndrome (NFNS). Also called: NEUROFIBROMATOSIS WITH NOONAN PHENOTYPE. Identifiers: Orphanet 638, MedGen C2931482, MONDO:0011035, OMIM 601321. Disease mechanism: loss of function.
Neurofibromatosis, type 1 (NF1). Also called: Peripheral type neurofibromatosis; NEUROFIBROMATOSIS, TYPE I, SOMATIC; Neurofibromatosis, type I; VON RECKLINGHAUSEN DISEASE. Identifiers: Orphanet 636, MedGen C0027831, MONDO:0018975, OMIM 162200. Disease mechanism: loss of function.

Allele frequency attached by ClinVar (database versions not stated): ESP Exome Variant Server 0.00062; gnomAD 0.00096 and 0.00107; TOPMed 0.00105; ExAC 0.00124; 1000 Genomes Project 0.00140; 1000 Genomes Project 30x 0.00141.
gnomAD v4.1: 909 of 1,613,698 alleles (0.056%); highest among the groups gnomAD compares: South Asian, 0.61%; 7 homozygotes.

Submissions (6):

Genome-Nilou Lab
Classification: Benign for Neurofibromatosis, type 1. Last evaluated: 2022-03-15. Review status: criteria provided, single submitter. Criteria: ACMG Guidelines, 2015. Collection method: clinical testing. Allele origin: germline. Affected: no.

ARUP Laboratories, Molecular Genetics and Genomics, ARUP Laboratories
Classification: Likely benign. Last evaluated: 2019-06-27. Review status: criteria provided, single submitter. Criteria: ARUP Molecular Germline Variant Investigation Process. Collection method: clinical testing. Allele origin: germline.

Illumina Laboratory Services, Illumina
Classification: Benign for Neurofibromatosis, familial spinal. Last evaluated: 2018-01-13. Review status: criteria provided, single submitter. Criteria: ICSL Variant Classification Criteria 13 December 2019. Collection method: clinical testing. Allele origin: germline.
Comment: This variant was observed in the ICSL laboratory as part of a predisposition screen in an ostensibly healthy population. It had not been previously curated by ICSL or reported in the Human Gene Mutation Database (HGMD: prior to June 1st, 2018), and was therefore a candidate for classification through an automated scoring system. Utilizing variant allele frequency, disease prevalence and penetrance estimates, and inheritance mode, an automated score was calculated to assess if this variant is too frequent to cause the disease. Based on the score and internal cut-off values, a variant classified as benign is not then subjected to further curation. The score for this variant resulted in a classification of benign for this disease.

Illumina Laboratory Services, Illumina
Classification: Benign for Neurofibromatosis, type 1. Last evaluated: 2018-01-13. Review status: criteria provided, single submitter. Criteria: ICSL Variant Classification Criteria 13 December 2019. Collection method: clinical testing. Allele origin: germline.
Comment: the same text as in the submission from Illumina Laboratory Services, Illumina above.

Illumina Laboratory Services, Illumina
Classification: Benign for Neurofibromatosis-Noonan syndrome. Last evaluated: 2018-01-13. Review status: criteria provided, single submitter. Criteria: ICSL Variant Classification Criteria 13 December 2019. Collection method: clinical testing. Allele origin: germline.
Comment: the same text as in the submission from Illumina Laboratory Services, Illumina above.

Illumina Laboratory Services, Illumina
Classification: Benign for Café-au-lait macules with pulmonary stenosis. Last evaluated: 2018-01-13. Review status: criteria provided, single submitter. Criteria: ICSL Variant Classification Criteria 13 December 2019. Collection method: clinical testing. Allele origin: germline.
Comment: the same text as in the submission from Illumina Laboratory Services, Illumina above.

NM_001042492.3(NF1):c.*29A>G

Gene: NF1 (neurofibromin 1; plus strand). Cytogenetic location: 17q11.2.
Variant type: single nucleotide variant.
Coding change: c.*29A>G on transcript NM_001042492.3 (MANE Select); 29 bases downstream of the stop codon, A replaced by G.
Molecular consequence: 3 prime UTR variant.
Genome position (GRCh38, 1-based): chr17:31,374,184, A>G. VCF-style: chr17-31374184-A-G. GRCh37 (hg19) VCF-style: chr17-29701202-A-G.
Other names: c.*29A>G (NM_000267.4).
Identifiers: ClinVar variation 811498 (VCV000811498.12), dbSNP rs139147882, ClinGen allele CA8487832.